The following is an entry in ClinVar:

ClinVar aggregate classification (germline): Likely benign. Review status: criteria provided, multiple submitters, no conflicts (2 of 4 stars). 3 submissions from 3 submitters: Likely benign (2). 1 of the submissions does not count toward it. Last evaluated 2024-09-25.

Conditions:
ITGB4-related disorder. Also called: ITGB4-related condition.

Allele frequency attached by ClinVar (database versions not stated): TOPMed 0.00003; gnomAD 0.00021.
gnomAD v4.1: 194 of 1,613,606 alleles (0.012%); highest among the groups gnomAD compares: East Asian, 0.029%; 2 homozygotes.

Submissions (3):

Blueprint Genetics
Classification: Likely benign. Last evaluated: 2024-09-25. Review status: criteria provided, single submitter. Criteria: ACMG Guidelines, 2015. Collection method: clinical testing. Allele origin: germline.

Labcorp Genetics (formerly Invitae), Labcorp
Classification: Likely benign. Last evaluated: 2023-11-17. Review status: criteria provided, single submitter. Criteria: Invitae Variant Classification Sherloc (09022015). Collection method: clinical testing. Allele origin: germline.

PreventionGenetics, part of Exact Sciences
Classification: Likely benign for ITGB4-related condition. Last evaluated: 2022-12-19. Review status: no assertion criteria provided. Collection method: clinical testing. Allele origin: germline. Not counted in ClinVar's aggregate classification.
Comment: This variant is classified as likely benign based on ACMG/AMP sequence variant interpretation guidelines (Richards et al. 2015 PMID: 25741868, with internal and published modifications).

NM_000213.5(ITGB4):c.1761+6C>T

Gene: ITGB4 (integrin subunit beta 4; plus strand). Cytogenetic location: 17q25.1.
Variant type: single nucleotide variant.
Coding change: c.1761+6C>T on transcript NM_000213.5 (MANE Select); 6 bases into the intron after coding-DNA position 1761, C replaced by T.
Molecular consequence: intron variant.
Genome position (GRCh38, 1-based): chr17:75,736,160, C>T. VCF-style: chr17-75736160-C-T. GRCh37 (hg19) VCF-style: chr17-73732241-C-T.
Other names: c.1761+6C>T (NM_001005619.2, NM_001005731.3, NM_001438834.1 and 1 more transcripts).
Identifiers: ClinVar variation 2415440 (VCV002415440.9), dbSNP rs747752799, ClinGen allele CA8769114.